The following is an entry in ClinVar:

NM_006516.4(SLC2A1):c.757C>G (p.Arg253Gly)

Gene: SLC2A1 (solute carrier family 2 member 1; minus strand). Cytogenetic location: 1p34.2.
Variant type: single nucleotide variant.
Coding change: c.757C>G on transcript NM_006516.4 (MANE Select); coding-DNA position 757, C replaced by G.
Protein change: p.Arg253Gly; replaces arginine 253 with glycine.
Molecular consequence: missense variant.
Genome position (GRCh38, 1-based): chr1:42,929,703, G>C on the plus strand (C>G on the coding strand, the complement: SLC2A1 is on the minus strand). VCF-style: chr1-42929703-G-C. GRCh37 (hg19) VCF-style: chr1-43395374-G-C.
Other names: short protein forms R253G.
Identifiers: ClinVar variation 2169545 (VCV002169545.4), dbSNP rs1451575059, ClinGen allele CA339957925.

ClinVar aggregate classification (germline): Uncertain significance (1 of 4 stars; one submission).

Conditions:
GLUT1 deficiency syndrome 1, autosomal recessive. Identifiers: MedGen C3149117.

gnomAD v4.1: 2 of 1,613,826 alleles (0.00012%); highest among the groups gnomAD compares: South Asian, 0.0011%; no homozygotes.

Submission:

Labcorp Genetics (formerly Invitae), Labcorp
Classification: Uncertain significance for GLUT1 deficiency syndrome 1, autosomal recessive. Last evaluated: 2022-03-15. Review status: criteria provided, single submitter. Criteria: Invitae Variant Classification Sherloc (09022015). Collection method: clinical testing. Allele origin: germline.
Comment: In summary, the available evidence is currently insufficient to determine the role of this variant in disease. Therefore, it has been classified as a Variant of Uncertain Significance. Advanced modeling of protein sequence and biophysical properties (such as structural, functional, and spatial information, amino acid conservation, physicochemical variation, residue mobility, and thermodynamic stability) performed at Invitae indicates that this missense variant is not expected to disrupt SLC2A1 protein function. This variant has not been reported in the literature in individuals affected with SLC2A1-related conditions. This variant is present in population databases (no rsID available, gnomAD 0.003%). This sequence change replaces arginine, which is basic and polar, with glycine, which is neutral and non-polar, at codon 253 of the SLC2A1 protein (p.Arg253Gly).